The following is an entry in ClinVar:

NM_001267550.2(TTN):c.71347C>T (p.Arg23783Cys)

Genes: TTN (titin; minus strand), TTN-AS1 (TTN antisense RNA 1; plus strand). Cytogenetic location: 2q31.2.
Variant type: single nucleotide variant.
Coding change: c.71347C>T on transcript NM_001267550.2 (MANE Select); coding-DNA position 71347, C replaced by T.
Protein change: p.Arg23783Cys; replaces arginine 23783 with cysteine.
Molecular consequence: missense variant.
Genome position (GRCh38, 1-based): chr2:178,574,785, G>A on the plus strand (C>T on the coding strand, the complement: TTN is on the minus strand). VCF-style: chr2-178574785-G-A. GRCh37 (hg19) VCF-style: chr2-179439512-G-A.
Other names: c.66424C>T, p.Arg22142Cys (NM_001256850.1); c.44152C>T, p.Arg14718Cys (NM_003319.4); c.63643C>T, p.Arg21215Cys (NM_133378.4); c.44527C>T, p.Arg14843Cys (NM_133432.3); c.44728C>T, p.Arg14910Cys (NM_133437.4); short protein forms R23783C, R22142C, R14843C, R21215C, R14718C, R14910C.
Identifiers: ClinVar variation 467440 (VCV000467440.5), dbSNP rs754516257, ClinGen allele CA1990640.

ClinVar aggregate classification (germline): Uncertain significance. Review status: criteria provided, multiple submitters, no conflicts (2 of 4 stars). 2 submissions from 2 submitters: Uncertain significance (2). Last evaluated 2020-06-30.

Conditions:
Autosomal recessive limb-girdle muscular dystrophy type 2J (LGMDR10). Also called: Limb-girdle muscular dystrophy, type 2J; MUSCULAR DYSTROPHY, LIMB-GIRDLE, AUTOSOMAL RECESSIVE 10. Identifiers: Orphanet 140922, MedGen C1837342, MONDO:0012127, OMIM 608807.
Dilated cardiomyopathy 1G (CMD1G). Identifiers: Orphanet 154, MedGen C1858763, MONDO:0011400, OMIM 604145.
Cardiovascular phenotype. Identifiers: MedGen CN230736.

Allele frequency attached by ClinVar (database versions not stated): gnomAD exomes below 0.00001 and 0.00001; TOPMed 0.00001; ExAC 0.00002.
gnomAD v4.1: 6 of 1,612,084 alleles (0.00037%); highest among the groups gnomAD compares: East Asian, 0.0022%; no homozygotes.

Submissions (2):

Ambry Genetics
Classification: Uncertain significance for Cardiovascular phenotype. Last evaluated: 2020-06-30. Review status: criteria provided, single submitter. Criteria: Ambry Variant Classification Scheme 2023. Collection method: clinical testing. Allele origin: germline.
Comment: The p.R14718C variant (also known as c.44152C>T), located in coding exon 153 of the TTN gene, results from a C to T substitution at nucleotide position 44152. The arginine at codon 14718 is replaced by cysteine, an amino acid with highly dissimilar properties. This amino acid position is highly conserved in available vertebrate species. In addition, the in silico prediction for this alteration is inconclusive. Since supporting evidence is limited at this time, the clinical significance of this alteration remains unclear.

Labcorp Genetics (formerly Invitae), Labcorp
Classification: Uncertain significance for Dilated cardiomyopathy 1G; Autosomal recessive limb-girdle muscular dystrophy type 2J. Last evaluated: 2017-02-06. Review status: criteria provided, single submitter. Criteria: Invitae Variant Classification Sherloc (09022015). Collection method: clinical testing. Allele origin: germline.